The following is an entry in ClinVar:

NM_138773.4(SLC25A46):c.746G>A (p.Gly249Asp)

Gene: SLC25A46 (solute carrier family 25 member 46; plus strand). Cytogenetic location: 5q22.1.
Variant type: single nucleotide variant.
Coding change: c.746G>A on transcript NM_138773.4 (MANE Select); coding-DNA position 746, G replaced by A.
Protein change: p.Gly249Asp; replaces glycine 249 with aspartic acid.
Molecular consequence: missense variant. On other transcripts: non-coding transcript variant (1), intron variant (1).
Genome position (GRCh38, 1-based): chr5:110,761,271, G>A. VCF-style: chr5-110761271-G-A. GRCh37 (hg19) VCF-style: chr5-110096971-G-A.
Other names: c.473G>A, p.Gly158Asp (NM_001303250.3); c.679-176G>A (NM_001303249.3); short protein forms G249D, G158D.
Identifiers: ClinVar variation 372238 (VCV000372238.11), dbSNP rs200725073, ClinGen allele CA3364735.

ClinVar aggregate classification (germline): Uncertain significance. Review status: criteria provided, multiple submitters, no conflicts (2 of 4 stars). 4 submissions from 4 submitters: Uncertain significance (3). 1 of the submissions does not count toward it. Last evaluated 2024-11-03.

Conditions:
Inborn genetic diseases. Identifiers: MedGen C0950123, MeSH D030342.
Neuropathy, hereditary motor and sensory, type 6B (HMSN6B). Also called: HMSN VIB; CHARCOT-MARIE-TOOTH DISEASE, TYPE 6B; Neuropathy, hereditary motor and sensory, type VIB; NEUROPATHY, HEREDITARY MOTOR AND SENSORY, TYPE VIB, WITH OPTIC ATROPHY. Identifiers: MedGen C4225302, MONDO:0014671, OMIM 616505.

Allele frequency attached by ClinVar (database versions not stated): gnomAD 0.00003 and 0.00004; TOPMed 0.00004; ESP Exome Variant Server 0.00008.

Submissions (4):

Labcorp Genetics (formerly Invitae), Labcorp
Classification: Uncertain significance for Neuropathy, hereditary motor and sensory, type 6B. Last evaluated: 2024-11-03. Review status: criteria provided, single submitter. Criteria: Invitae Variant Classification Sherloc (09022015). Collection method: clinical testing. Allele origin: germline.
Comment: This sequence change replaces glycine, which is neutral and non-polar, with aspartic acid, which is acidic and polar, at codon 249 of the SLC25A46 protein (p.Gly249Asp). This variant is present in population databases (rs200725073, gnomAD 0.01%). This missense change has been observed in individual(s) with clinical features of SLC25A46-related conditions and/or optic atrophy and axonal peripheral neuropathy (PMID: 26168012, 33841295). In at least one individual the data is consistent with being in trans (on the opposite chromosome) from a pathogenic variant. It has also been observed to segregate with disease in related individuals. ClinVar contains an entry for this variant (Variation ID: 372238). Invitae Evidence Modeling of protein sequence and biophysical properties (such as structural, functional, and spatial information, amino acid conservation, physicochemical variation, residue mobility, and thermodynamic stability) indicates that this missense variant is not expected to disrupt SLC25A46 protein function with a negative predictive value of 80%. Experimental studies have shown that this missense change does not substantially affect SLC25A46 function (PMID: 27543974). In summary, the available evidence is currently insufficient to determine the role of this variant in disease. Therefore, it has been classified as a Variant of Uncertain Significance.

Blueprint Genetics
Classification: Uncertain significance. Last evaluated: 2024-04-15. Review status: criteria provided, single submitter. Criteria: ACMG Guidelines, 2015. Collection method: clinical testing. Allele origin: germline.

Ambry Genetics
Classification: Uncertain significance for Inborn genetic diseases. Last evaluated: 2022-12-08. Review status: criteria provided, single submitter. Criteria: Ambry Variant Classification Scheme 2023. Collection method: clinical testing. Allele origin: germline.

OMIM
Classification: Pathogenic for NEUROPATHY, HEREDITARY MOTOR AND SENSORY, TYPE VIB. Last evaluated: 2017-01-14. Review status: no assertion criteria provided. Collection method: literature only. Allele origin: germline. Not counted in ClinVar's aggregate classification.

Literature cited by the submitters: PubMed 26168012 (cited by 3 submitters); PubMed 33841295 (cited by Labcorp Genetics (formerly Invitae), Labcorp and Ambry Genetics); PubMed 27543974 (cited by Labcorp Genetics (formerly Invitae), Labcorp and Ambry Genetics); PubMed 30178502 (cited by Ambry Genetics).